The following is an entry in ClinVar:

NM_001367561.1(DOCK7):c.3844G>A (p.Gly1282Arg)

Gene: DOCK7 (dedicator of cytokinesis 7; minus strand). Cytogenetic location: 1p31.3.
Variant type: single nucleotide variant.
Coding change: c.3844G>A on transcript NM_001367561.1 (MANE Select); coding-DNA position 3844, G replaced by A.
Protein change: p.Gly1282Arg; replaces glycine 1282 with arginine.
Molecular consequence: missense variant.
Genome position (GRCh38, 1-based): chr1:62,528,243, C>T on the plus strand (G>A on the coding strand, the complement: DOCK7 is on the minus strand). VCF-style: chr1-62528243-C-T. GRCh37 (hg19) VCF-style: chr1-62993914-C-T.
Other names: c.3844G>A, p.Gly1282Arg (NM_001271999.2, NM_001330614.2); c.3751G>A, p.Gly1251Arg (NM_001272000.2, NM_001272001.2, NM_033407.4); c.3751G>A (NM_033407.2); short protein forms G1251R, G1282R.
Identifiers: ClinVar variation 1002674 (VCV001002674.6), dbSNP rs759878677, ClinGen allele CA885868.

ClinVar aggregate classification (germline): Uncertain significance. Review status: criteria provided, multiple submitters, no conflicts (2 of 4 stars). 3 submissions from 3 submitters: Uncertain significance (3). Last evaluated 2023-04-11.

Conditions:
Inborn genetic diseases. Identifiers: MedGen C0950123, MeSH D030342.
Developmental and epileptic encephalopathy, 23 (DEE23). Also called: Epileptic encephalopathy, early infantile, 23. Identifiers: Orphanet 411986, MedGen C4014492, MONDO:0014371, OMIM 615859.

Allele frequency attached by ClinVar (database versions not stated): ExAC 0.00001; gnomAD 0.00002 and 0.00003; gnomAD exomes 0.00002 and 0.00003; TOPMed 0.00003.
gnomAD v4.1: 37 of 1,613,466 alleles (0.0023%); highest among the groups gnomAD compares: East Asian, 0.0045%; no homozygotes.

Submissions (3):

Genome-Nilou Lab
Classification: Uncertain significance for Developmental and epileptic encephalopathy, 23. Last evaluated: 2023-04-11. Review status: criteria provided, single submitter. Criteria: ACMG Guidelines, 2015. Collection method: clinical testing. Allele origin: germline. Affected: no.

Labcorp Genetics (formerly Invitae), Labcorp
Classification: Uncertain significance for Developmental and epileptic encephalopathy, 23. Last evaluated: 2022-08-09. Review status: criteria provided, single submitter. Criteria: Invitae Variant Classification Sherloc (09022015). Collection method: clinical testing. Allele origin: germline.
Comment: This sequence change replaces glycine, which is neutral and non-polar, with arginine, which is basic and polar, at codon 1282 of the DOCK7 protein (p.Gly1282Arg). This variant is present in population databases (rs759878677, gnomAD 0.008%). This variant has not been reported in the literature in individuals affected with DOCK7-related conditions. ClinVar contains an entry for this variant (Variation ID: 1002674). Algorithms developed to predict the effect of missense changes on protein structure and function are either unavailable or do not agree on the potential impact of this missense change (SIFT: "Deleterious"; PolyPhen-2: "Benign"; Align-GVGD: "Class C0"). In summary, the available evidence is currently insufficient to determine the role of this variant in disease. Therefore, it has been classified as a Variant of Uncertain Significance.

Ambry Genetics
Classification: Uncertain significance for Inborn genetic diseases. Last evaluated: 2022-02-10. Review status: criteria provided, single submitter. Criteria: Ambry Variant Classification Scheme 2023. Collection method: clinical testing. Allele origin: germline.